The following is an entry in ClinVar:

NM_000392.5(ABCC2):c.4062C>T (p.Ala1354=)

Gene: ABCC2 (ATP binding cassette subfamily C member 2; plus strand). Cytogenetic location: 10q24.2.
Variant type: single nucleotide variant.
Coding change: c.4062C>T on transcript NM_000392.5 (MANE Select); coding-DNA position 4062, C replaced by T.
Protein change: p.Ala1354=; no amino-acid change (alanine 1354 retained).
Molecular consequence: synonymous variant.
Genome position (GRCh38, 1-based): chr10:99,845,698, C>T. VCF-style: chr10-99845698-C-T. GRCh37 (hg19) VCF-style: chr10-101605455-C-T.
Other names: p.Ala1354=; c.4062C>T, p.Ala1354= (LRG_1208t1).
Identifiers: ClinVar variation 298472 (VCV000298472.19), dbSNP rs17216275, ClinGen allele CA5644025.

ClinVar aggregate classification (germline): Benign/Likely benign. Review status: criteria provided, multiple submitters, no conflicts (2 of 4 stars). 6 submissions from 6 submitters: Benign (3); Likely benign (2). 1 of the submissions does not count toward it. Last evaluated 2026-02-01.

Conditions:
Dubin-Johnson syndrome (DJS). Also called: HYPERBILIRUBINEMIA, DUBIN-JOHNSON TYPE; Jaundice, Chronic Idiopathic; Hyperbilirubinemia type 2. Identifiers: Orphanet 234, MedGen C0022350, MONDO:0009380, OMIM 237500.
ABCC2-related disorder. Also called: ABCC2-related condition.

Allele frequency attached by ClinVar (database versions not stated): gnomAD exomes 0.00137 and 0.00365; ExAC 0.00459; 1000 Genomes Project 0.01338; 1000 Genomes Project 30x 0.01452; gnomAD 0.01467 and 0.01590; TOPMed 0.01608; ESP Exome Variant Server 0.01707.
gnomAD v4.1: 4,305 of 1,613,940 alleles (0.27%); highest among the groups gnomAD compares: African/African-American, 5.1%; 112 homozygotes.

Submissions (6):

Labcorp Genetics (formerly Invitae), Labcorp
Classification: Benign. Last evaluated: 2026-02-01. Review status: criteria provided, single submitter. Criteria: Invitae Variant Classification Sherloc (09022015). Collection method: clinical testing. Allele origin: germline.

Mayo Clinic Laboratories, Mayo Clinic
Classification: Benign. Last evaluated: 2021-07-09. Review status: criteria provided, single submitter. Criteria: ACMG Guidelines, 2015. Collection method: clinical testing. Allele origin: germline. Observed: 18 variant alleles.

GeneDx
Classification: Benign. Last evaluated: 2021-06-09. Review status: criteria provided, single submitter. Criteria: GeneDx Variant Classification Process June 2021. Collection method: clinical testing. Allele origin: germline. Affected: yes.

Illumina Laboratory Services, Illumina
Classification: Likely benign for Dubin-Johnson syndrome. Last evaluated: 2017-04-27. Review status: criteria provided, single submitter. Criteria: ICSL Variant Classification Criteria 13 December 2019. Collection method: clinical testing. Allele origin: germline.
Comment: This variant was observed as part of a predisposition screen in an ostensibly healthy population. A literature search was performed for the gene, cDNA change, and amino acid change (where applicable). No publications were found based on this search. Allele frequency data from public databases allowed determination this variant is unlikely to cause disease. Therefore, this variant is classified as likely benign.

Breakthrough Genomics
Classification: Likely benign. Review status: criteria provided, single submitter. Criteria: ACMG Guidelines, 2015. Collection method: not provided. Allele origin: germline. Inheritance: Autosomal recessive inheritance. Affected: yes.

PreventionGenetics, part of Exact Sciences
Classification: Benign for ABCC2-related condition. Last evaluated: 2019-09-12. Review status: no assertion criteria provided. Collection method: clinical testing. Allele origin: germline. Not counted in ClinVar's aggregate classification.
Comment: This variant is classified as benign based on ACMG/AMP sequence variant interpretation guidelines (Richards et al. 2015 PMID: 25741868, with internal and published modifications).